The following is an entry in ClinVar:

NM_004656.4(BAP1):c.1133C>T (p.Ala378Val)

Gene: BAP1 (BRCA1 associated deubiquitinase 1; minus strand). Cytogenetic location: 3p21.1.
Variant type: single nucleotide variant.
Coding change: c.1133C>T on transcript NM_004656.4 (MANE Select); coding-DNA position 1133, C replaced by T.
Protein change: p.Ala378Val; replaces alanine 378 with valine.
Molecular consequence: missense variant.
Genome position (GRCh38, 1-based): chr3:52,404,570, G>A on the plus strand (C>T on the coding strand, the complement: BAP1 is on the minus strand). VCF-style: chr3-52404570-G-A. GRCh37 (hg19) VCF-style: chr3-52438586-G-A.
Other names: short protein forms A378V.
Identifiers: ClinVar variation 818399 (VCV000818399.18), dbSNP rs1466585782, ClinGen allele CA353103404.

ClinVar aggregate classification (germline): Uncertain significance. Review status: criteria provided, multiple submitters, no conflicts (2 of 4 stars). 4 submissions from 4 submitters: Uncertain significance (4). Last evaluated 2025-07-07.

Conditions:
Hereditary cancer-predisposing syndrome. Also called: Tumor predisposition; Hereditary neoplastic syndrome; Neoplastic Syndromes, Hereditary; Hereditary Cancer Syndrome. Identifiers: Orphanet 140162, MedGen C0027672, MeSH D009386, MONDO:0015356.
BAP1-related tumor predisposition syndrome (TPDS1). Also called: Tumor susceptibility linked to germline BAP1 mutations; BAP1 tumor predisposition syndrome; COMMON Syndrome; TUMOR PREDISPOSITION SYNDROME 1. Identifiers: Orphanet 289539, MedGen C3280492, MONDO:0013692, OMIM 614327.

Allele frequency attached by ClinVar (database versions not stated): gnomAD exomes below 0.00001; TOPMed below 0.00001; gnomAD 0.00001.
gnomAD v4.1: 8 of 1,613,524 alleles (0.0005%); highest among the groups gnomAD compares: East Asian, 0.0022%; no homozygotes.

Submissions (4):

Labcorp Genetics (formerly Invitae), Labcorp
Classification: Uncertain significance for BAP1-related tumor predisposition syndrome. Last evaluated: 2025-07-07. Review status: criteria provided, single submitter. Criteria: Invitae Variant Classification Sherloc (09022015). Collection method: clinical testing. Allele origin: germline.
Comment: This sequence change replaces alanine, which is neutral and non-polar, with valine, which is neutral and non-polar, at codon 378 of the BAP1 protein (p.Ala378Val). This variant is present in population databases (no rsID available, gnomAD 0.03%). This variant has not been reported in the literature in individuals affected with BAP1-related conditions. ClinVar contains an entry for this variant (Variation ID: 818399). Invitae Evidence Modeling of protein sequence and biophysical properties (such as structural, functional, and spatial information, amino acid conservation, physicochemical variation, residue mobility, and thermodynamic stability) indicates that this missense variant is not expected to disrupt BAP1 protein function with a negative predictive value of 80%. In summary, the available evidence is currently insufficient to determine the role of this variant in disease. Therefore, it has been classified as a Variant of Uncertain Significance.

Ambry Genetics
Classification: Uncertain significance for Hereditary cancer-predisposing syndrome. Last evaluated: 2024-11-19. Review status: criteria provided, single submitter. Criteria: Ambry Variant Classification Scheme 2023. Collection method: clinical testing. Allele origin: germline.
Comment: The p.A378V variant (also known as c.1133C>T), located in coding exon 12 of the BAP1 gene, results from a C to T substitution at nucleotide position 1133. The alanine at codon 378 is replaced by valine, an amino acid with similar properties. This amino acid position is highly conserved in available vertebrate species. In addition, the in silico prediction for this alteration is inconclusive. Based on the available evidence, the clinical significance of this variant remains unclear.

Color Diagnostics, LLC DBA Color Health
Classification: Uncertain significance for Hereditary cancer-predisposing syndrome. Last evaluated: 2024-03-06. Review status: criteria provided, single submitter. Criteria: ACMG Guidelines, 2015. Collection method: clinical testing. Allele origin: germline.
Comment: This missense variant replaces alanine with valine at codon 378 of the BAP1 protein. Computational prediction suggests that this variant may not impact protein structure and function (internally defined REVEL score threshold <= 0.5, PMID: 27666373). To our knowledge, functional studies have not been reported for this variant. This variant has not been reported in individuals affected with hereditary cancer in the literature. This variant has been identified in 1/31408 chromosomes in the general population by the Genome Aggregation Database (gnomAD). The available evidence is insufficient to determine the role of this variant in disease conclusively. Therefore, this variant is classified as a Variant of Uncertain Significance.

GeneDx
Classification: Uncertain significance. Last evaluated: 2023-05-25. Review status: criteria provided, single submitter. Criteria: GeneDx Variant Classification Process June 2021. Collection method: clinical testing. Allele origin: germline. Affected: yes.
Comment: Not observed at significant frequency in large population cohorts (gnomAD); In silico analysis supports that this missense variant does not alter protein structure/function; Has not been previously published as pathogenic or benign to our knowledge